The following is an entry in ClinVar:

NM_007294.4(BRCA1):c.4084G>T (p.Asp1362Tyr)

Genes: BRCA1 (BRCA1 DNA repair associated; minus strand), LOC126862571 (BRD4-independent group 4 enhancer GRCh37_chr17:41243136-41244335; plus strand). Cytogenetic location: 17q21.31.
Variant type: single nucleotide variant.
Coding change: c.4084G>T on transcript NM_007294.4 (MANE Select); coding-DNA position 4084, G replaced by T.
Protein change: p.Asp1362Tyr; replaces aspartic acid 1362 with tyrosine.
Molecular consequence: missense variant. On other transcripts: intron variant (135).
Genome position (GRCh38, 1-based): chr17:43,091,447, C>A on the plus strand (G>T on the coding strand, the complement: BRCA1 is on the minus strand). VCF-style: chr17-43091447-C-A. GRCh37 (hg19) VCF-style: chr17-41243464-C-A.
Other names: c.3871G>T, p.Asp1291Tyr (NM_001407571.1, NM_001407853.1, NM_001407894.1 and 9 more transcripts); c.4084G>T, p.Asp1362Tyr (NM_001407581.1, NM_001407582.1, NM_001407583.1 and 30 more transcripts); c.4081G>T, p.Asp1361Tyr (NM_001407587.1, NM_001407590.1, NM_001407591.1 and 22 more transcripts); c.4075G>T, p.Asp1359Tyr (NM_001407646.1, NM_001407647.1); c.3961G>T, p.Asp1321Tyr (NM_001407648.1, NM_001407664.1, NM_001407665.1 and 19 more transcripts); c.3958G>T, p.Asp1320Tyr (NM_001407649.1, NM_001407670.1, NM_001407671.1 and 11 more transcripts); c.4006G>T, p.Asp1336Tyr (NM_001407653.1, NM_001407654.1, NM_001407655.1 and 4 more transcripts); c.4003G>T, p.Asp1335Tyr (NM_001407659.1, NM_001407660.1, NM_001407661.1 and 1 more transcripts); and 41 more; short protein forms D1234Y, D1274Y, D1315Y, D1362Y, D1066Y, D1273Y, D1292Y, D1314Y.
Identifiers: ClinVar variation 1737655 (VCV001737655.6), dbSNP rs775463394, ClinGen allele CA10593790.

ClinVar aggregate classification (germline): Conflicting classifications of pathogenicity. Review status: criteria provided, conflicting classifications (1 of 4 stars). 3 submissions from 3 submitters: Uncertain significance (2); Likely benign (1). Last evaluated 2025-04-19.

Conditions:
Hereditary cancer-predisposing syndrome. Also called: Neoplastic Syndromes, Hereditary; Tumor predisposition; Hereditary Cancer Syndrome; Hereditary neoplastic syndrome. Identifiers: Orphanet 140162, MedGen C0027672, MeSH D009386, MONDO:0015356.
Hereditary breast ovarian cancer syndrome. Also called: Hereditary breast and ovarian cancer syndrome; Breast and ovarian cancer; Hereditary breast and/or ovarian cancer syndrome; Hereditary breast and ovarian cancer; BRCA1- and BRCA2-Associated Hereditary Breast and Ovarian Cancer; Hereditary breast and ovarian cancer syndrome (HBOC). Identifiers: Orphanet 145, MedGen C0677776, MeSH D061325, MONDO:0003582. Disease mechanism: loss of function.

gnomAD v4.1: 2 of 1,613,748 alleles (0.00012%); highest among the groups gnomAD compares: Non-Finnish European, 0.00017%; no homozygotes.

Submissions (3):

Ambry Genetics
Classification: Uncertain significance for Hereditary cancer-predisposing syndrome. Last evaluated: 2025-04-19. Review status: criteria provided, single submitter. Criteria: Ambry Variant Classification Scheme 2023. Collection method: clinical testing. Allele origin: germline.
Comment: The p.D1362Y variant (also known as c.4084G>T), located in coding exon 9 of the BRCA1 gene, results from a G to T substitution at nucleotide position 4084. The aspartic acid at codon 1362 is replaced by tyrosine, an amino acid with highly dissimilar properties. This amino acid position is not well conserved in available vertebrate species. In addition, the in silico prediction for this alteration is inconclusive. Since supporting evidence is limited at this time, the clinical significance of this alteration remains unclear.

Labcorp Genetics (formerly Invitae), Labcorp
Classification: Uncertain significance for Hereditary breast ovarian cancer syndrome. Last evaluated: 2023-06-17. Review status: criteria provided, single submitter. Criteria: Invitae Variant Classification Sherloc (09022015). Collection method: clinical testing. Allele origin: germline.
Comment: This sequence change replaces aspartic acid, which is acidic and polar, with tyrosine, which is neutral and polar, at codon 1362 of the BRCA1 protein (p.Asp1362Tyr). In summary, the available evidence is currently insufficient to determine the role of this variant in disease. Therefore, it has been classified as a Variant of Uncertain Significance. Studies have shown this missense change is associated with skipping of exon 10, but one or more of the resulting mRNA isoform(s) may be naturally occurring (PMID: 28905878; Invitae). Advanced modeling of protein sequence and biophysical properties (such as structural, functional, and spatial information, amino acid conservation, physicochemical variation, residue mobility, and thermodynamic stability) performed at Invitae indicates that this missense variant is not expected to disrupt BRCA1 protein function. ClinVar contains an entry for this variant (Variation ID: 1737655). This variant has not been reported in the literature in individuals affected with BRCA1-related conditions. This variant is not present in population databases (gnomAD no frequency).

University of Washington Department of Laboratory Medicine, University of Washington
Classification: Likely benign for Hereditary cancer-predisposing syndrome. Last evaluated: 2023-03-23. Review status: criteria provided, single submitter. Criteria: Dines et al. (Genet Med. 2020). Collection method: curation. Allele origin: germline.
Comment: Missense variant in a coldspot region where missense variants are very unlikely to be pathogenic (PMID:31911673).

BRCA1 coldspot (exon 11 using historical exon numbering). Reclassification based on statistical prior probability

Literature cited by the submitters: PubMed 28905878 (cited by Labcorp Genetics (formerly Invitae), Labcorp).